The following is an entry in ClinVar:

NM_014043.4(CHMP2B):c.71C>T (p.Thr24Ile)

Gene: CHMP2B (charged multivesicular body protein 2B; plus strand). Cytogenetic location: 3p11.2.
Variant type: single nucleotide variant.
Coding change: c.71C>T on transcript NM_014043.4 (MANE Select); coding-DNA position 71, C replaced by T.
Protein change: p.Thr24Ile; replaces threonine 24 with isoleucine.
Molecular consequence: missense variant. On other transcripts: intron variant (1).
Genome position (GRCh38, 1-based): chr3:87,240,735, C>T. VCF-style: chr3-87240735-C-T. GRCh37 (hg19) VCF-style: chr3-87289885-C-T.
Other names: c.167C>T, p.Thr56Ile (NM_001410777.1); c.4-4979C>T (NM_001244644.2); short protein forms T24I, T56I.
Identifiers: ClinVar variation 2038146 (VCV002038146.4), dbSNP rs776778264, ClinGen allele CA2500886.

ClinVar aggregate classification (germline): Uncertain significance (1 of 4 stars; one submission).

Conditions:
Frontotemporal dementia and/or amyotrophic lateral sclerosis 7 (FTDALS7). Also called: AMYOTROPHIC LATERAL SCLEROSIS, CHMP2B-RELATED; Amyotrophic lateral sclerosis 17; CHMP2B-related frontotemporal dementia; CHMP2B-Related Frontotemporal Dementia-Amyotrophic Lateral Sclerosis. Identifiers: Orphanet 275864, Orphanet 282, Orphanet 803, MedGen C1833296, MONDO:0010936, OMIM 600795.

Allele frequency attached by ClinVar (database versions not stated): gnomAD 0.00001; gnomAD exomes 0.00001; TOPMed 0.00002; ExAC 0.00003.
gnomAD v4.1: 18 of 1,613,284 alleles (0.0011%); highest among the groups gnomAD compares: Admixed American, 0.01%; no homozygotes.

Submission:

Labcorp Genetics (formerly Invitae), Labcorp
Classification: Uncertain significance for Frontotemporal dementia and/or amyotrophic lateral sclerosis 7. Last evaluated: 2022-04-19. Review status: criteria provided, single submitter. Criteria: Invitae Variant Classification Sherloc (09022015). Collection method: clinical testing. Allele origin: germline.
Comment: In summary, the available evidence is currently insufficient to determine the role of this variant in disease. Therefore, it has been classified as a Variant of Uncertain Significance. Algorithms developed to predict the effect of missense changes on protein structure and function are either unavailable or do not agree on the potential impact of this missense change (SIFT: "Deleterious"; PolyPhen-2: "Benign"; Align-GVGD: "Class C0"). This variant has not been reported in the literature in individuals affected with CHMP2B-related conditions. This variant is present in population databases (rs776778264, gnomAD 0.009%). This sequence change replaces threonine, which is neutral and polar, with isoleucine, which is neutral and non-polar, at codon 24 of the CHMP2B protein (p.Thr24Ile).